The following is an entry in ClinVar:

ClinVar aggregate classification (germline): Uncertain significance (1 of 4 stars; one submission).

Conditions:
Cardiomyopathy (CMYO). Also called: Cardiomyopathies. Identifiers: Orphanet 167848, MedGen C0878544, MONDO:0004994, HP:0001638. Inheritance: Various modes of inheritance.

Submission:

Color Diagnostics, LLC DBA Color Health
Classification: Uncertain significance for Cardiomyopathy. Last evaluated: 2022-01-04. Review status: criteria provided, single submitter. Criteria: ACMG Guidelines, 2015. Collection method: clinical testing. Allele origin: germline.
Comment: This missense variant replaces lysine with glutamic acid at codon 4521 of the RYR2 protein. Computational prediction suggests that this variant may have deleterious impact on protein structure and function (internally defined REVEL score threshold >= 0.7, PMID: 27666373). To our knowledge, functional studies have not been reported for this variant. This variant has not been reported in individuals affected with cardiovascular disorders in the literature. This variant has not been identified in the general population by the Genome Aggregation Database (gnomAD). The available evidence is insufficient to determine the role of this variant in disease conclusively. Therefore, this variant is classified as a Variant of Uncertain Significance.

NM_001035.3(RYR2):c.13561A>G (p.Lys4521Glu)

Gene: RYR2 (ryanodine receptor 2; plus strand). Cytogenetic location: 1q43.
Variant type: single nucleotide variant.
Coding change: c.13561A>G on transcript NM_001035.3 (MANE Select); coding-DNA position 13561, A replaced by G.
Protein change: p.Lys4521Glu; replaces lysine 4521 with glutamic acid.
Molecular consequence: missense variant.
Genome position (GRCh38, 1-based): chr1:237,791,513, A>G. VCF-style: chr1-237791513-A-G. GRCh37 (hg19) VCF-style: chr1-237954813-A-G.
Other names: short protein forms K4521E.
Identifiers: ClinVar variation 2774411 (VCV002774411.2), dbSNP rs2527909110, ClinGen allele CA067315.